The following is an entry in ClinVar:

ClinVar aggregate classification (germline): Uncertain significance. Review status: criteria provided, multiple submitters, no conflicts (2 of 4 stars). 3 submissions from 3 submitters: Uncertain significance (3). Last evaluated 2024-09-15.

Conditions:
Inborn genetic diseases. Identifiers: MedGen C0950123, MeSH D030342.

Allele frequency attached by ClinVar (database versions not stated): gnomAD 0.00007; ESP Exome Variant Server 0.00008; TOPMed 0.00005; ExAC 0.00005.
gnomAD v4.1: 103 of 1,614,138 alleles (0.0064%); highest among the groups gnomAD compares: Middle Eastern, 0.016%; no homozygotes.

Submissions (3):

GeneDx
Classification: Uncertain significance. Last evaluated: 2024-09-15. Review status: criteria provided, single submitter. Criteria: GeneDx Variant Classification Process June 2021. Collection method: clinical testing. Allele origin: germline. Affected: yes.
Comment: In silico analysis indicates that this missense variant does not alter protein structure/function; Has not been previously published as pathogenic or benign to our knowledge

Women's Health and Genetics/Laboratory Corporation of America, LabCorp
Classification: Uncertain significance. Last evaluated: 2023-04-18. Review status: criteria provided, single submitter. Criteria: LabCorp Variant Classification Summary - May 2015. Collection method: clinical testing. Allele origin: germline.
Comment: Variant summary: ZNF142 c.3157C>T (p.Arg1053Cys) results in a non-conservative amino acid change in the encoded protein sequence. Three of five in-silico tools predict a damaging effect of the variant on protein function. The variant allele was found at a frequency of 6e-05 in 249400 control chromosomes(gnomAD). To our knowledge, no occurrence of c.3157C>T in individuals affected with Neurodevelopmental Disorder With Impaired Speech And Hyperkinetic Movements and no experimental evidence demonstrating its impact on protein function have been reported. One clinical diagnostic laboratory has submitted a clinical-significance assessment for this variant to ClinVar after 2014 and classified the variant as uncertain significance. Based on the evidence outlined above, the variant was classified as uncertain significance.

Ambry Genetics
Classification: Uncertain significance for Inborn genetic diseases. Last evaluated: 2021-08-19. Review status: criteria provided, single submitter. Criteria: Ambry Variant Classification Scheme 2023. Collection method: clinical testing. Allele origin: germline.

NM_001379659.1(ZNF142):c.3757C>T (p.Arg1253Cys)

Gene: ZNF142 (zinc finger protein 142; minus strand). Cytogenetic location: 2q35.
Variant type: single nucleotide variant.
Coding change: c.3757C>T on transcript NM_001379659.1 (MANE Select); coding-DNA position 3757, C replaced by T.
Protein change: p.Arg1253Cys; replaces arginine 1253 with cysteine.
Molecular consequence: missense variant.
Genome position (GRCh38, 1-based): chr2:218,643,359, G>A on the plus strand (C>T on the coding strand, the complement: ZNF142 is on the minus strand). VCF-style: chr2-218643359-G-A. GRCh37 (hg19) VCF-style: chr2-219508082-G-A.
Other names: c.2668C>T, p.Arg890Cys (NM_001366287.3, NM_001366288.3, NM_001366289.3); c.3757C>T, p.Arg1253Cys (NM_001366290.3, NM_001379660.1, NM_001379661.1); c.3157C>T, p.Arg1053Cys (NM_001366291.3, NM_001379662.1, NM_001105537.5); short protein forms R890C, R1253C, R1053C.
Identifiers: ClinVar variation 2350840 (VCV002350840.4), dbSNP rs367708840, ClinGen allele CA2108926.